The following is an entry in ClinVar:

NM_004628.5(XPC):c.266dup (p.Asp90fs)

Gene: XPC (XPC complex subunit, DNA damage recognition and repair factor; minus strand). Cytogenetic location: 3p25.1.
Variant type: Duplication.
Coding change: c.266dup on transcript NM_004628.5 (MANE Select); coding-DNA position 266, one base duplicated (A; older notation c.266dupA).
Protein change: p.Asp90fs; shifts the reading frame from aspartic acid 90.
Molecular consequence: frameshift variant. On other transcripts: 5 prime UTR variant (1), non-coding transcript variant (2).
Genome position (GRCh38, 1-based): chr3:14,172,900, T duplicated on the plus strand (A on the coding strand, the reverse complement: XPC is on the minus strand); the first of 3 consecutive T bases (chr3:14,172,900-14,172,902); duplicating any one gives the same sequence. VCF-style (leftmost placement, unchanged base first): chr3-14172899-C-CT. GRCh37 (hg19) VCF-style: chr3-14214399-C-CT.
Other names: c.-190dup (NM_001354726.2); c.266dup, p.Asp90fs (NM_001354727.2, NM_001354730.2); c.248dup, p.Asp84fs (NM_001354729.2); short protein forms D84fs, D90fs.
Identifiers: ClinVar variation 5006562 (VCV005006562.2).

ClinVar aggregate classification (germline): Likely pathogenic (1 of 4 stars; one submission).

Conditions:
Xeroderma pigmentosum, group C (XPC). Also called: Xeroderma pigmentosum, complementation group C; XERODERMA PIGMENTOSUM III; XP, GROUP C; XPC-Related Xeroderma Pigmentosum. Identifiers: Orphanet 910, MedGen C2752147, MONDO:0010211, OMIM 278720.

Submission:

Juno Genomics, Hangzhou Juno Genomics, Inc
Classification: Likely pathogenic for Xeroderma pigmentosum, group C. Review status: criteria provided, single submitter. Criteria: ACMG Guidelines, 2015. Collection method: clinical testing. Allele origin: germline.
Comment: Null variant in a gene where loss of function (LOF) is a known mechanism of disease.;Absent from controls (or at extremely low frequency if recessive) in Genome Aggregation Database.